The following is an entry in ClinVar:

NM_000542.5(SFTPB):c.*1912G>A

Gene: SFTPB (surfactant protein B; minus strand). Cytogenetic location: 2p11.2.
Variant type: single nucleotide variant.
Coding change: c.*1912G>A on transcript NM_000542.5 (MANE Select); 1912 bases downstream of the stop codon, G replaced by A.
Molecular consequence: 3 prime UTR variant.
Genome position (GRCh38, 1-based): chr2:85,657,790, C>T on the plus strand (G>A on the coding strand, the complement: SFTPB is on the minus strand). VCF-style: chr2-85657790-C-T. GRCh37 (hg19) VCF-style: chr2-85884913-C-T.
Other names: c.*991G>A (NM_001367281.2); c.*1085G>A (NM_198843.4).
Identifiers: ClinVar variation 337288 (VCV000337288.5), dbSNP rs113824447, ClinGen allele CA10616357.

ClinVar aggregate classification (germline): Likely benign (1 of 4 stars; one submission).

Conditions:
Surfactant metabolism dysfunction, pulmonary, 1. Also called: INTERSTITIAL LUNG DISEASE DUE TO SURFACTANT PROTEIN B DEFICIENCY; INTERSTITIAL LUNG DISEASE, NONSPECIFIC, DUE TO SURFACTANT PROTEIN B DEFICIENCY; PULMONARY ALVEOLAR PROTEINOSIS, CONGENITAL, 1; Pulmonary surfactant protein B, deficiency of; Neonatal acute respiratory distress due to SP-B deficiency. Identifiers: Orphanet 217563, MedGen C1968602, MONDO:0009929, OMIM 265120.

Allele frequency attached by ClinVar (database versions not stated): 1000 Genomes Project 0.00180; gnomAD 0.00197 and 0.00218; TOPMed 0.00218; 1000 Genomes Project 30x 0.00219.

Submission:

Illumina Laboratory Services, Illumina
Classification: Likely benign for Surfactant metabolism dysfunction, pulmonary, 1. Last evaluated: 2018-01-13. Review status: criteria provided, single submitter. Criteria: ICSL Variant Classification Criteria 13 December 2019. Collection method: clinical testing. Allele origin: germline.
Comment: This variant was observed in the ICSL laboratory as part of a predisposition screen in an ostensibly healthy population. It had not been previously curated by ICSL or reported in the Human Gene Mutation Database (HGMD: prior to June 1st, 2018), and was therefore a candidate for classification through an automated scoring system. Utilizing variant allele frequency, disease prevalence and penetrance estimates, and inheritance mode, an automated score was calculated to assess if this variant is too frequent to cause the disease. Based on the score and internal cut-off values, a variant classified as likely benign is not then subjected to further curation. The score for this variant resulted in a classification of likely benign for this disease.